The following is an entry in ClinVar:

ClinVar aggregate classification (germline): Uncertain significance (1 of 4 stars; one submission).

Conditions:
Autosomal recessive spastic paraplegia type 78. Identifiers: Orphanet 513436, MedGen C5567893, MONDO:0014975, OMIM 617225.
Kufor-Rakeb syndrome (KRS). Also called: PARKINSON DISEASE 9, AUTOSOMAL RECESSIVE, JUVENILE-ONSET. Identifiers: Orphanet 306674, Orphanet 314632, MedGen C1847640, MONDO:0011706, OMIM 606693.

Allele frequency attached by ClinVar (database versions not stated): ExAC 0.00001; gnomAD exomes 0.00001; TOPMed 0.00001; gnomAD 0.00003 and 0.00004; ESP Exome Variant Server 0.00008.
gnomAD v4.1: 23 of 1,612,780 alleles (0.0014%); highest among the groups gnomAD compares: Middle Eastern, 0.05%; 1 homozygote.

Submission:

Labcorp Genetics (formerly Invitae), Labcorp
Classification: Uncertain significance for Kufor-Rakeb syndrome; Autosomal recessive spastic paraplegia type 78. Last evaluated: 2024-01-19. Review status: criteria provided, single submitter. Criteria: Invitae Variant Classification Sherloc (09022015). Collection method: clinical testing. Allele origin: germline.
Comment: This sequence change replaces arginine, which is basic and polar, with histidine, which is basic and polar, at codon 1072 of the ATP13A2 protein (p.Arg1072His). The frequency data for this variant in the population databases is considered unreliable, as metrics indicate poor data quality at this position in the gnomAD database. This variant has not been reported in the literature in individuals affected with ATP13A2-related conditions. ClinVar contains an entry for this variant (Variation ID: 1508485). Advanced modeling of protein sequence and biophysical properties (such as structural, functional, and spatial information, amino acid conservation, physicochemical variation, residue mobility, and thermodynamic stability) performed at Invitae indicates that this missense variant is not expected to disrupt ATP13A2 protein function with a negative predictive value of 80%. In summary, the available evidence is currently insufficient to determine the role of this variant in disease. Therefore, it has been classified as a Variant of Uncertain Significance.

NM_022089.4(ATP13A2):c.3215G>A (p.Arg1072His)

Gene: ATP13A2 (ATPase cation transporting 13A2; minus strand). Cytogenetic location: 1p36.13.
Variant type: single nucleotide variant.
Coding change: c.3215G>A on transcript NM_022089.4 (MANE Select); coding-DNA position 3215, G replaced by A.
Protein change: p.Arg1072His; replaces arginine 1072 with histidine.
Molecular consequence: missense variant.
Genome position (GRCh38, 1-based): chr1:16,986,825, C>T on the plus strand (G>A on the coding strand, the complement: ATP13A2 is on the minus strand). VCF-style: chr1-16986825-C-T. GRCh37 (hg19) VCF-style: chr1-17313320-C-T.
Other names: c.3200G>A, p.Arg1067His (NM_001141973.3); c.3083G>A, p.Arg1028His (NM_001141974.3); short protein forms R1028H, R1067H, R1072H.
Identifiers: ClinVar variation 1508485 (VCV001508485.7), dbSNP rs371220869, ClinGen allele CA636576.